The following is an entry in ClinVar:

NM_000302.4(PLOD1):c.169-96C>T

Gene: PLOD1 (procollagen-lysine,2-oxoglutarate 5-dioxygenase 1; plus strand). Cytogenetic location: 1p36.22.
Variant type: single nucleotide variant.
Coding change: c.169-96C>T on transcript NM_000302.4 (MANE Select); 96 bases into the intron before coding-DNA position 169, C replaced by T.
Molecular consequence: intron variant.
Genome position (GRCh38, 1-based): chr1:11,949,677, C>T. VCF-style: chr1-11949677-C-T. GRCh37 (hg19) VCF-style: chr1-12009734-C-T.
Other names: c.310-96C>T (NM_001316320.2).
Identifiers: ClinVar variation 678585 (VCV000678585.2), dbSNP rs58469200, ClinGen allele CA10660111.

ClinVar aggregate classification (germline): Benign. Review status: criteria provided, multiple submitters, no conflicts (2 of 4 stars). 2 submissions from 2 submitters: Benign (2). Last evaluated 2018-06-14.

Allele frequency attached by ClinVar (database versions not stated): gnomAD exomes 0.08079; gnomAD 0.11235 and 0.11516; TOPMed 0.11826; 1000 Genomes Project 0.11901; 1000 Genomes Project 30x 0.12164.
gnomAD v4.1: 113,237 of 1,337,344 alleles (8.5%); highest among the groups gnomAD compares: African/African-American, 20%; 5,639 homozygotes.

Submissions (2):

GeneDx
Classification: Benign. Last evaluated: 2018-06-14. Review status: criteria provided, single submitter. Criteria: GeneDx Variant Classification (06012015). Collection method: clinical testing. Allele origin: germline. Affected: yes.
Comment: This variant is considered likely benign or benign based on one or more of the following criteria: it is a conservative change, it occurs at a poorly conserved position in the protein, it is predicted to be benign by multiple in silico algorithms, and/or has population frequency not consistent with disease.

Breakthrough Genomics
Classification: Benign. Review status: criteria provided, single submitter. Criteria: ACMG Guidelines, 2015. Collection method: not provided. Allele origin: germline. Inheritance: Autosomal recessive inheritance. Affected: yes.